The following is an entry in ClinVar:

NM_000264.5(PTCH1):c.3472A>C (p.Ile1158Leu)

Gene: PTCH1 (patched 1; minus strand). Cytogenetic location: 9q22.32.
Variant type: single nucleotide variant.
Coding change: c.3472A>C on transcript NM_000264.5 (MANE Select); coding-DNA position 3472, A replaced by C.
Protein change: p.Ile1158Leu; replaces isoleucine 1158 with leucine.
Molecular consequence: missense variant. On other transcripts: non-coding transcript variant (1).
Genome position (GRCh38, 1-based): chr9:95,449,918, T>G on the plus strand (A>C on the coding strand, the complement: PTCH1 is on the minus strand). VCF-style: chr9-95449918-T-G. GRCh37 (hg19) VCF-style: chr9-98212200-T-G.
Other names: c.3274A>C, p.Ile1092Leu (NM_001083602.3); c.3469A>C, p.Ile1157Leu (NM_001083603.3); c.3019A>C, p.Ile1007Leu (NM_001083604.3, NM_001083605.3, NM_001083606.3 and 1 more transcripts); c.3316A>C, p.Ile1106Leu (NM_001354918.2); short protein forms I1007L, I1106L, I1157L, I1158L, I1092L.
Identifiers: ClinVar variation 1414045 (VCV001414045.25), dbSNP rs368636457, ClinGen allele CA5138132.

ClinVar aggregate classification (germline): Conflicting classifications of pathogenicity. Review status: criteria provided, conflicting classifications (1 of 4 stars). 3 submissions from 3 submitters: Uncertain significance (2); Likely benign (1). Last evaluated 2025-07-02.

Conditions:
Gorlin syndrome. Also called: Nevoid Basal Cell Carcinoma Syndrome; Basal cell nevus syndrome. Identifiers: Orphanet 377, MedGen C0004779, MONDO:0007187.
Hereditary cancer-predisposing syndrome. Also called: Hereditary Cancer Syndrome; Tumor predisposition; Neoplastic Syndromes, Hereditary; Hereditary neoplastic syndrome. Identifiers: Orphanet 140162, MedGen C0027672, MeSH D009386, MONDO:0015356.

Allele frequency attached by ClinVar (database versions not stated): TOPMed below 0.00001; gnomAD 0.00001; ESP Exome Variant Server 0.00008.
gnomAD v4.1: 8 of 1,613,932 alleles (0.0005%); highest among the groups gnomAD compares: Middle Eastern, 0.033%; no homozygotes.

Submissions (3):

Labcorp Genetics (formerly Invitae), Labcorp
Classification: Likely benign for Gorlin syndrome. Last evaluated: 2025-07-02. Review status: criteria provided, single submitter. Criteria: Invitae Variant Classification Sherloc (09022015). Collection method: clinical testing. Allele origin: germline.

CeGaT Center for Human Genetics Tuebingen
Classification: Uncertain significance. Last evaluated: 2024-10-01. Review status: criteria provided, single submitter. Criteria: CeGaT Center For Human Genetics Tuebingen Variant Classification Criteria Version 2. Collection method: clinical testing. Allele origin: germline. Affected: yes. Observed: 1 variant allele.

Ambry Genetics
Classification: Uncertain significance for Hereditary cancer-predisposing syndrome. Last evaluated: 2024-02-27. Review status: criteria provided, single submitter. Criteria: Ambry Variant Classification Scheme 2023. Collection method: clinical testing. Allele origin: germline.
Comment: The p.I1158L variant (also known as c.3472A>C), located in coding exon 21 of the PTCH1 gene, results from an A to C substitution at nucleotide position 3472. The isoleucine at codon 1158 is replaced by leucine, an amino acid with highly similar properties. This amino acid position is highly conserved in available vertebrate species. In addition, the in silico prediction for this alteration is inconclusive. Since supporting evidence is limited at this time, the clinical significance of this alteration remains unclear.